The following is an entry in ClinVar:

ClinVar aggregate classification (germline): Conflicting classifications of pathogenicity. Review status: criteria provided, conflicting classifications (1 of 4 stars). 3 submissions from 3 submitters: Uncertain significance (2); Likely benign (1). Last evaluated 2024-09-26.

Conditions:
Cardiovascular phenotype. Identifiers: MedGen CN230736.

Allele frequency attached by ClinVar (database versions not stated): TOPMed below 0.00001; gnomAD 0.00005; 1000 Genomes Project 30x 0.00016; 1000 Genomes Project 0.00020; gnomAD exomes 0.00020.
gnomAD v4.1: 276 of 1,547,908 alleles (0.018%); highest among the groups gnomAD compares: East Asian, 0.67%; 2 homozygotes.

Submissions (3):

Labcorp Genetics (formerly Invitae), Labcorp
Classification: Uncertain significance. Last evaluated: 2024-09-26. Review status: criteria provided, single submitter. Criteria: Invitae Variant Classification Sherloc (09022015). Collection method: clinical testing. Allele origin: germline.
Comment: This sequence change replaces alanine, which is neutral and non-polar, with valine, which is neutral and non-polar, at codon 3243 of the ZNF469 protein (p.Ala3243Val). The frequency data for this variant in the population databases is considered unreliable, as metrics indicate poor data quality at this position in the gnomAD database. This variant has not been reported in the literature in individuals affected with ZNF469-related conditions. ClinVar contains an entry for this variant (Variation ID: 1767992). An algorithm developed to predict the effect of missense changes on protein structure and function outputs the following: PolyPhen-2: "Benign". The valine amino acid residue is found in multiple mammalian species, which suggests that this missense change does not adversely affect protein function. In summary, the available evidence is currently insufficient to determine the role of this variant in disease. Therefore, it has been classified as a Variant of Uncertain Significance.

Ambry Genetics
Classification: Likely benign for Cardiovascular phenotype. Last evaluated: 2024-05-03. Review status: criteria provided, single submitter. Criteria: Ambry Variant Classification Scheme 2023. Collection method: clinical testing. Allele origin: germline.

GeneDx
Classification: Uncertain significance. Last evaluated: 2023-02-03. Review status: criteria provided, single submitter. Criteria: GeneDx Variant Classification Process June 2021. Collection method: clinical testing. Allele origin: germline. Affected: yes.
Comment: Has not been previously published as pathogenic or benign to our knowledge; In silico analysis supports that this missense variant does not alter protein structure/function

NM_001367624.2(ZNF469):c.9812C>T (p.Ala3271Val)

Gene: ZNF469 (zinc finger protein 469; plus strand). Cytogenetic location: 16q24.2.
Variant type: single nucleotide variant.
Coding change: c.9812C>T on transcript NM_001367624.2 (MANE Select); coding-DNA position 9812, C replaced by T.
Protein change: p.Ala3271Val; replaces alanine 3271 with valine.
Molecular consequence: missense variant.
Genome position (GRCh38, 1-based): chr16:88,437,282, C>T. VCF-style: chr16-88437282-C-T. GRCh37 (hg19) VCF-style: chr16-88503690-C-T.
Other names: NM_001127464.1:c.9728C>T; short protein forms A3271V.
Identifiers: ClinVar variation 1767992 (VCV001767992.5), dbSNP rs547200758, ClinGen allele CA8225454.